The following is an entry in ClinVar:

NM_001083962.2(TCF4):c.281C>T (p.Pro94Leu)

Genes: TCF4 (transcription factor 4; minus strand), TCF4-AS1 (TCF4 antisense RNA 1; plus strand). Cytogenetic location: 18q21.2.
Variant type: single nucleotide variant.
Coding change: c.281C>T on transcript NM_001083962.2 (MANE Select); coding-DNA position 281, C replaced by T.
Protein change: p.Pro94Leu; replaces proline 94 with leucine.
Molecular consequence: missense variant.
Genome position (GRCh38, 1-based): chr18:55,461,042, G>A on the plus strand (C>T on the coding strand, the complement: TCF4 is on the minus strand). VCF-style: chr18-55461042-G-A. GRCh37 (hg19) VCF-style: chr18-53128273-G-A.
Other names: c.281C>T, p.Pro94Leu (NM_003199.3, NM_001243228.2, NM_001330604.3 and 8 more transcripts); c.587C>T, p.Pro196Leu (NM_001243226.3); c.209C>T, p.Pro70Leu (NM_001243227.2, NM_001306207.1, NM_001348217.1 and 15 more transcripts); c.275C>T, p.Pro92Leu (NM_001243230.2); c.155C>T, p.Pro52Leu (NM_001243231.2, NM_001348211.2); short protein forms P196L, P92L, P94L, P70L, P52L.
Identifiers: ClinVar variation 3966497 (VCV003966497.2).

ClinVar aggregate classification (germline): Uncertain significance (1 of 4 stars; one submission).

Conditions:
Inborn genetic diseases. Identifiers: MedGen C0950123, MeSH D030342.

Submission:

Ambry Genetics
Classification: Uncertain significance for Inborn genetic diseases. Last evaluated: 2025-06-25. Review status: criteria provided, single submitter. Criteria: Ambry Variant Classification Scheme 2023. Collection method: clinical testing. Allele origin: germline.
Comment: The c.281C>T (p.P94L) alteration is located in exon 5 (coding exon 4) of the TCF4 gene. This alteration results from a C to T substitution at nucleotide position 281, causing the proline (P) at amino acid position 94 to be replaced by a leucine (L). This variant was not reported in population-based cohorts in the Genome Aggregation Database (gnomAD). This amino acid position is highly conserved in available vertebrate species. This alteration is predicted to be deleterious by in silico analysis. Based on insufficient or conflicting evidence, the clinical significance of this alteration remains unclear.